The following is an entry in ClinVar:

ClinVar aggregate classification (germline): Uncertain significance (1 of 4 stars; one submission).

Conditions:
Hereditary cancer-predisposing syndrome. Also called: Tumor predisposition; Hereditary Cancer Syndrome; Hereditary neoplastic syndrome; Neoplastic Syndromes, Hereditary. Identifiers: Orphanet 140162, MedGen C0027672, MeSH D009386, MONDO:0015356.

Submission:

Labcorp Genetics (formerly Invitae), Labcorp
Classification: Uncertain significance for Hereditary cancer-predisposing syndrome. Last evaluated: 2024-10-09. Review status: criteria provided, single submitter. Criteria: Invitae Variant Classification Sherloc (09022015). Collection method: clinical testing. Allele origin: germline.
Comment: This sequence change replaces isoleucine, which is neutral and non-polar, with leucine, which is neutral and non-polar, at codon 1147 of the RAD50 protein (p.Ile1147Leu). This variant is not present in population databases (gnomAD no frequency). This variant has not been reported in the literature in individuals affected with RAD50-related conditions. Invitae Evidence Modeling of protein sequence and biophysical properties (such as structural, functional, and spatial information, amino acid conservation, physicochemical variation, residue mobility, and thermodynamic stability) indicates that this missense variant is not expected to disrupt RAD50 protein function with a negative predictive value of 80%. In summary, the available evidence is currently insufficient to determine the role of this variant in disease. Therefore, it has been classified as a Variant of Uncertain Significance.

NM_005732.4(RAD50):c.3439A>T (p.Ile1147Leu)

Genes: TH2-LCR (Th2 cytokine locus control region; plus strand), TH2LCRR (T helper type 2 locus control region associated RNA; minus strand), RAD50 (RAD50 double strand break repair protein; plus strand). Cytogenetic location: 5q31.1.
Variant type: single nucleotide variant.
Coding change: c.3439A>T on transcript NM_005732.4 (MANE Select); coding-DNA position 3439, A replaced by T.
Protein change: p.Ile1147Leu; replaces isoleucine 1147 with leucine.
Molecular consequence: missense variant.
Genome position (GRCh38, 1-based): chr5:132,637,164, A>T. VCF-style: chr5-132637164-A-T. GRCh37 (hg19) VCF-style: chr5-131972856-A-T.
Other names: short protein forms I1147L.
Identifiers: ClinVar variation 3718909 (VCV003718909.2).
Genomic context (GRCh38, chr5:132,637,164, plus strand): 5'-TCCTTTTCCAGAGCAATAATGAAATTTCACAGTATGAAAATGGAAGAAATCAATAAAATT[A>T]TACGTGACCTGTGGCGAAGTACCTATCGTGGACAAGGTGAGTACCATGGTGTATCACAAA-3'
Protein context (NP_005723.2, residues 1137-1157): SMKMEEINKI[Ile1147Leu]RDLWRSTYRG